The following is an entry in ClinVar:

ClinVar aggregate classification (germline): Benign/Likely benign. Review status: criteria provided, multiple submitters, no conflicts (2 of 4 stars). 3 submissions from 3 submitters: Benign (1); Likely benign (1). 1 of the submissions does not count toward it. Last evaluated 2026-01-25.

Conditions:
Vici syndrome (VICIS). Identifiers: Orphanet 1493, MedGen C1855772, MONDO:0009452, OMIM 242840.
EPG5-related disorder. Also called: EPG5-related condition. Identifiers: MedGen CN381528.

Allele frequency attached by ClinVar (database versions not stated): gnomAD 0.00012; gnomAD exomes 0.00014 and 0.00072; 1000 Genomes Project 0.00020; TOPMed 0.00028; 1000 Genomes Project 30x 0.00031; ExAC 0.00061.

Submissions (3):

Labcorp Genetics (formerly Invitae), Labcorp
Classification: Benign for Vici syndrome. Last evaluated: 2026-01-25. Review status: criteria provided, single submitter. Criteria: Invitae Variant Classification Sherloc (09022015). Collection method: clinical testing. Allele origin: germline.

GeneDx
Classification: Likely benign. Last evaluated: 2017-08-11. Review status: criteria provided, single submitter. Criteria: GeneDx Variant Classification (06012015). Collection method: clinical testing. Allele origin: germline. Affected: yes.
Comment: This variant is considered likely benign or benign based on one or more of the following criteria: it is a conservative change, it occurs at a poorly conserved position in the protein, it is predicted to be benign by multiple in silico algorithms, and/or has population frequency not consistent with disease.

PreventionGenetics, part of Exact Sciences
Classification: Likely benign for EPG5-related condition. Last evaluated: 2019-10-30. Review status: no assertion criteria provided. Collection method: clinical testing. Allele origin: germline. Not counted in ClinVar's aggregate classification.
Comment: This variant is classified as likely benign based on ACMG/AMP sequence variant interpretation guidelines (Richards et al. 2015 PMID: 25741868, with internal and published modifications).

NM_020964.3(EPG5):c.6161C>T (p.Thr2054Met)

Gene: EPG5 (ectopic P-granules 5 autophagy tethering factor; minus strand). Cytogenetic location: 18q12.3.
Variant type: single nucleotide variant.
Coding change: c.6161C>T on transcript NM_020964.3 (MANE Select); coding-DNA position 6161, C replaced by T.
Protein change: p.Thr2054Met; replaces threonine 2054 with methionine.
Molecular consequence: missense variant.
Genome position (GRCh38, 1-based): chr18:45,870,631, G>A on the plus strand (C>T on the coding strand, the complement: EPG5 is on the minus strand). VCF-style: chr18-45870631-G-A. GRCh37 (hg19) VCF-style: chr18-43450596-G-A.
Other names: c.6161C>T, p.Thr2054Met (LRG_1234t1); short protein forms T2054M.
Identifiers: ClinVar variation 466261 (VCV000466261.15), dbSNP rs200926094, ClinGen allele CA8948359.